The following is an entry in ClinVar:

NM_001267550.2(TTN):c.103156G>A (p.Val34386Met)

Genes: TTN (titin; minus strand), TTN-AS1 (TTN antisense RNA 1; plus strand). Cytogenetic location: 2q31.2.
Variant type: single nucleotide variant.
Coding change: c.103156G>A on transcript NM_001267550.2 (MANE Select); coding-DNA position 103156, G replaced by A.
Protein change: p.Val34386Met; replaces valine 34386 with methionine.
Molecular consequence: missense variant.
Genome position (GRCh38, 1-based): chr2:178,533,459, C>T on the plus strand (G>A on the coding strand, the complement: TTN is on the minus strand). VCF-style: chr2-178533459-C-T. GRCh37 (hg19) VCF-style: chr2-179398186-C-T.
Other names: c.98233G>A, p.Val32745Met (NM_001256850.1); c.75961G>A, p.Val25321Met (NM_003319.4); c.95452G>A, p.Val31818Met (NM_133378.4); c.76336G>A, p.Val25446Met (NM_133432.3); c.76537G>A, p.Val25513Met (NM_133437.4); short protein forms V25321M, V25446M, V25513M, V31818M, V32745M, V34386M.
Identifiers: ClinVar variation 2418233 (VCV002418233.8), dbSNP rs763989580, ClinGen allele CA1985651.

ClinVar aggregate classification (germline): Uncertain significance. Review status: criteria provided, multiple submitters, no conflicts (2 of 4 stars). 2 submissions from 2 submitters: Uncertain significance (2). Last evaluated 2026-06-24.

Conditions:
Autosomal recessive limb-girdle muscular dystrophy type 2J (LGMDR10). Also called: Limb-girdle muscular dystrophy, type 2J; MUSCULAR DYSTROPHY, LIMB-GIRDLE, AUTOSOMAL RECESSIVE 10. Identifiers: Orphanet 140922, MedGen C1837342, MONDO:0012127, OMIM 608807.
Dilated cardiomyopathy 1G (CMD1G). Identifiers: Orphanet 154, MedGen C1858763, MONDO:0011400, OMIM 604145.

Allele frequency attached by ClinVar (database versions not stated): gnomAD 0.00001; ExAC 0.00003; gnomAD exomes 0.00001.
gnomAD v4.1: 10 of 1,613,606 alleles (0.00062%); highest among the groups gnomAD compares: South Asian, 0.0011%; no homozygotes.

Submissions (2):

Women's Health and Genetics/Laboratory Corporation of America, LabCorp
Classification: Uncertain significance. Last evaluated: 2026-06-24. Review status: criteria provided, single submitter. Criteria: LabCorp Variant Classification Summary - May 2015. Collection method: clinical testing. Allele origin: germline.
Comment: Variant summary: TTN c.95452G>A (p.Val31818Met) results in a conservative amino acid change in the encoded protein sequence. Algorithms developed to predict the effect of missense changes on protein structure and function are either unavailable or do not agree on the potential impact of this missense change. The variant allele was found at a frequency of 1.6e-05 in 248610 control chromosomes. The available data on variant occurrences in the general population are insufficient to allow any conclusion about variant significance. To our knowledge, no occurrence of c.95452G>A in individuals affected with TTN-related conditions and no experimental evidence demonstrating its impact on protein function have been reported. ClinVar contains an entry for this variant (Variation ID: 2418233). Based on the evidence outlined above, the variant was classified as uncertain significance.

Labcorp Genetics (formerly Invitae), Labcorp
Classification: Uncertain significance for Dilated cardiomyopathy 1G; Autosomal recessive limb-girdle muscular dystrophy type 2J. Last evaluated: 2024-10-31. Review status: criteria provided, single submitter. Criteria: Invitae Variant Classification Sherloc (09022015). Collection method: clinical testing. Allele origin: germline.
Comment: This sequence change replaces valine, which is neutral and non-polar, with methionine, which is neutral and non-polar, at codon 34386 of the TTN protein (p.Val34386Met). The frequency data for this variant in the population databases is considered unreliable, as metrics indicate poor data quality at this position in the gnomAD database. This variant has not been reported in the literature in individuals affected with TTN-related conditions. ClinVar contains an entry for this variant (Variation ID: 2418233). Experimental studies and prediction algorithms are not available or were not evaluated, and the functional significance of this variant is currently unknown. This variant is located in the M band of TTN (PMID: 25589632). Non-truncating variants in this region may be relevant for neuromuscular disorders, but have not been definitively shown to cause cardiomyopathy (PMID: 23975875). In summary, the available evidence is currently insufficient to determine the role of this variant in disease. Therefore, it has been classified as a Variant of Uncertain Significance.

Literature cited by the submitters: PubMed 25589632 (cited by Labcorp Genetics (formerly Invitae), Labcorp); PubMed 23975875 (cited by Labcorp Genetics (formerly Invitae), Labcorp).